The following is an entry in ClinVar:

ClinVar aggregate classification (germline): Pathogenic/Likely pathogenic. Review status: criteria provided, multiple submitters, no conflicts (2 of 4 stars). 2 submissions from 2 submitters: Pathogenic (1); Likely pathogenic (1). Last evaluated 2024-03-11.

Conditions:
Fanconi anemia (FA). Also called: Fanconi's anemia. Identifiers: Orphanet 84, MedGen C0015625, MeSH D005199, MONDO:0019391.
Fanconi anemia complementation group I (FANCI). Also called: FANCI-Related Fanconi Anemia. Identifiers: Orphanet 84, MedGen C1836861, MONDO:0012186, OMIM 609053.

gnomAD v4.1: 3 of 1,613,972 alleles (0.00019%); highest among the groups gnomAD compares: Non-Finnish European, 0.00025%; no homozygotes.

Submissions (2):

Baylor Genetics
Classification: Likely pathogenic for Fanconi anemia complementation group I. Last evaluated: 2024-03-11. Review status: criteria provided, single submitter. Criteria: ACMG Guidelines, 2015. Collection method: clinical testing. Allele origin: unknown.

Labcorp Genetics (formerly Invitae), Labcorp
Classification: Pathogenic for Fanconi anemia. Last evaluated: 2024-02-25. Review status: criteria provided, single submitter. Criteria: Invitae Variant Classification Sherloc (09022015). Collection method: clinical testing. Allele origin: germline.
Comment: This sequence change creates a premature translational stop signal (p.Tyr699*) in the FANCI gene. It is expected to result in an absent or disrupted protein product. Loss-of-function variants in FANCI are known to be pathogenic (PMID: 17452773, 17460694). This variant is not present in population databases (gnomAD no frequency). This variant has not been reported in the literature in individuals affected with FANCI-related conditions. For these reasons, this variant has been classified as Pathogenic.

Literature cited by the submitters: PubMed 17452773 (cited by Labcorp Genetics (formerly Invitae), Labcorp); PubMed 17460694 (cited by Labcorp Genetics (formerly Invitae), Labcorp).

NM_001113378.2(FANCI):c.2097C>G (p.Tyr699Ter)

Gene: FANCI (FA complementation group I; plus strand). Cytogenetic location: 15q26.1.
Variant type: single nucleotide variant.
Coding change: c.2097C>G on transcript NM_001113378.2 (MANE Select); coding-DNA position 2097, C replaced by G.
Protein change: p.Tyr699Ter; replaces tyrosine 699 with a stop codon.
Molecular consequence: nonsense.
Genome position (GRCh38, 1-based): chr15:89,292,792, C>G. VCF-style: chr15-89292792-C-G. GRCh37 (hg19) VCF-style: chr15-89836023-C-G.
Other names: c.1818C>G, p.Tyr606Ter (NM_001376910.1); c.2097C>G, p.Tyr699Ter (NM_001376911.1, NM_018193.3); short protein forms Y606*, Y699*.
Identifiers: ClinVar variation 2675632 (VCV002675632.4), dbSNP rs148415946, ClinGen allele CA393749083.